The following is an entry in ClinVar:

NM_020975.6(RET):c.1382C>T (p.Thr461Ile)

Gene: RET (ret proto-oncogene; plus strand). Cytogenetic location: 10q11.21.
Variant type: single nucleotide variant.
Coding change: c.1382C>T on transcript NM_020975.6 (MANE Select); coding-DNA position 1382, C replaced by T.
Protein change: p.Thr461Ile; replaces threonine 461 with isoleucine.
Molecular consequence: missense variant.
Genome position (GRCh38, 1-based): chr10:43,111,325, C>T. VCF-style: chr10-43111325-C-T. GRCh37 (hg19) VCF-style: chr10-43606773-C-T.
Other names: c.1382C>T, p.Thr461Ile (NM_000323.2, NM_001406743.1, NM_001406744.1 and 6 more transcripts); c.620C>T, p.Thr207Ile (NM_001355216.2); c.1253C>T, p.Thr418Ile (NM_001406761.1, NM_001406762.1, NM_001406764.1 and 1 more transcripts); c.1094C>T, p.Thr365Ile (NM_001406766.1, NM_001406767.1, NM_001406770.1); c.986C>T, p.Thr329Ile (NM_001406769.1, NM_001406772.1); c.944C>T, p.Thr315Ile (NM_001406771.1, NM_001406773.1); c.857C>T, p.Thr286Ile (NM_001406774.1); c.656C>T, p.Thr219Ile (NM_001406775.1, NM_001406776.1, NM_001406777.1 and 1 more transcripts); and 1 more; short protein forms T365I, T131I, T207I, T286I, T315I, T329I, T219I, T418I.
Identifiers: ClinVar variation 1771321 (VCV001771321.2), dbSNP rs2132769980, ClinGen allele CA376549322.
Genomic context (GRCh38, chr10:43,111,325, plus strand): 5'-AGCTGCATTCCTCTGGTGCCAACTGCAGCACGCTAGGGGTGGTCACCTCAGCCGAGGACA[C>T]CTCGGGGATCCTGTTTGTGAATGACACCAAGGCCCTGCGGCGGCCCAAGTGTGCCGAACT-3'
Protein context (NP_066124.1, residues 451-471): TLGVVTSAED[Thr461Ile]SGILFVNDTK

ClinVar aggregate classification (germline): Uncertain significance (1 of 4 stars; one submission).

Conditions:
Hereditary cancer-predisposing syndrome. Also called: Hereditary Cancer Syndrome; Hereditary neoplastic syndrome; Neoplastic Syndromes, Hereditary; Tumor predisposition. Identifiers: Orphanet 140162, MedGen C0027672, MeSH D009386, MONDO:0015356.

Submission:

Ambry Genetics
Classification: Uncertain significance for Hereditary cancer-predisposing syndrome. Last evaluated: 2022-03-30. Review status: criteria provided, single submitter. Criteria: Ambry Variant Classification Scheme 2023. Collection method: clinical testing. Allele origin: germline.
Comment: The p.T461I variant (also known as c.1382C>T), located in coding exon 7 of the RET gene, results from a C to T substitution at nucleotide position 1382. The threonine at codon 461 is replaced by isoleucine, an amino acid with similar properties. This amino acid position is not well conserved in available vertebrate species. In addition, this alteration is predicted to be tolerated by in silico analysis. Since supporting evidence is limited at this time, the clinical significance of this alteration remains unclear.